The following is an entry in ClinVar:

NM_001145809.2(MYH14):c.3772C>T (p.Arg1258Cys)

Gene: MYH14 (myosin heavy chain 14; plus strand). Cytogenetic location: 19q13.33.
Variant type: single nucleotide variant.
Coding change: c.3772C>T on transcript NM_001145809.2 (MANE Select); coding-DNA position 3772, C replaced by T.
Protein change: p.Arg1258Cys; replaces arginine 1258 with cysteine.
Molecular consequence: missense variant.
Genome position (GRCh38, 1-based): chr19:50,276,848, C>T. VCF-style: chr19-50276848-C-T. GRCh37 (hg19) VCF-style: chr19-50780105-C-T.
Other names: c.3673C>T, p.Arg1225Cys (NM_001077186.2); c.3649C>T, p.Arg1217Cys (NM_024729.4); short protein forms R1258C, R1225C, R1217C.
Identifiers: ClinVar variation 893670 (VCV000893670.13), dbSNP rs201727916, ClinGen allele CA9593312.

ClinVar aggregate classification (germline): Uncertain significance. Review status: criteria provided, multiple submitters, no conflicts (2 of 4 stars). 3 submissions from 3 submitters: Uncertain significance (3). Last evaluated 2026-07-14.

Conditions:
Autosomal dominant nonsyndromic hearing loss 4A. Also called: Deafness, autosomal dominant 4A. Identifiers: Orphanet 90635, MedGen C1833503, MONDO:0010915, OMIM 600652.

Allele frequency attached by ClinVar (database versions not stated): ExAC 0.00003; TOPMed 0.00005; gnomAD 0.00005 and 0.00006; gnomAD exomes 0.00003 and 0.00008; 1000 Genomes Project 30x 0.00016; 1000 Genomes Project 0.00020.
gnomAD v4.1: 121 of 1,611,980 alleles (0.0075%); highest among the groups gnomAD compares: Non-Finnish European, 0.0097%; 1 homozygote.

Submissions (3):

GeneDx
Classification: Uncertain significance. Last evaluated: 2026-07-14. Review status: criteria provided, single submitter. Criteria: GeneDx Variant Classification Process June 2021. Collection method: clinical testing. Allele origin: germline.
Comment: In silico analysis supports that this missense variant has a deleterious effect on protein structure/function; Has not been previously published as pathogenic or benign to our knowledge

Labcorp Genetics (formerly Invitae), Labcorp
Classification: Uncertain significance. Last evaluated: 2025-07-10. Review status: criteria provided, single submitter. Criteria: Invitae Variant Classification Sherloc (09022015). Collection method: clinical testing. Allele origin: germline.
Comment: This sequence change replaces arginine, which is basic and polar, with cysteine, which is neutral and slightly polar, at codon 1217 of the MYH14 protein (p.Arg1217Cys). This variant is present in population databases (rs201727916, gnomAD 0.008%), including at least one homozygous and/or hemizygous individual. This variant has not been reported in the literature in individuals affected with MYH14-related conditions. ClinVar contains an entry for this variant (Variation ID: 893670). Invitae Evidence Modeling of protein sequence and biophysical properties (such as structural, functional, and spatial information, amino acid conservation, physicochemical variation, residue mobility, and thermodynamic stability) indicates that this missense variant is expected to disrupt MYH14 protein function with a positive predictive value of 80%. In summary, the available evidence is currently insufficient to determine the role of this variant in disease. Therefore, it has been classified as a Variant of Uncertain Significance.

Illumina Laboratory Services, Illumina
Classification: Uncertain significance for Autosomal dominant nonsyndromic hearing loss 4A. Last evaluated: 2018-01-13. Review status: criteria provided, single submitter. Criteria: ICSL Variant Classification Criteria 13 December 2019. Collection method: clinical testing. Allele origin: germline.